The following is an entry in ClinVar:

NM_033380.3(COL4A5):c.3043G>T (p.Gly1015Ter)

Gene: COL4A5 (collagen type IV alpha 5 chain; plus strand). Cytogenetic location: Xq22.3.
Variant type: single nucleotide variant.
Coding change: c.3043G>T on transcript NM_033380.3 (MANE Select); coding-DNA position 3043, G replaced by T.
Protein change: p.Gly1015Ter; replaces glycine 1015 with a stop codon.
Molecular consequence: nonsense.
Genome position (GRCh38, 1-based): chrX:108,625,731, G>T. VCF-style: chrX-108625731-G-T. GRCh37 (hg19) VCF-style: chrX-107868961-G-T.
Other names: c.3043G>T, p.Gly1015Ter (NM_000495.5); short protein forms G1015*.
Identifiers: ClinVar variation 983902 (VCV000983902.3), dbSNP rs2067140465, ClinGen allele CA413854543.

ClinVar aggregate classification (germline): Likely pathogenic (1 of 4 stars; one submission).

Conditions:
X-linked Alport syndrome (ATS1). Also called: NEPHROPATHY AND DEAFNESS, X-LINKED; COL4A5-Related Nephropathy. Identifiers: Orphanet 63, Orphanet 88917, MedGen C4746986, MONDO:0010520, OMIM 301050.

Submission:

Myriad Genetics, Inc.
Classification: Likely pathogenic for X-linked Alport syndrome. Last evaluated: 2019-06-24. Review status: criteria provided, single submitter. Criteria: Myriad Women's Health Autosomal Recessive and X-Linked Classification Criteria (2019). Collection method: clinical testing. Allele origin: unknown.
Comment: NM_000495.4(COL4A5):c.3043G>T(G1015*) is expected to be pathogenic in the context of X-linked Alport syndrome. This variant is predicted to lead to an abnormal or absent protein product due to the creation of a premature termination codon in COL4A5, a gene where loss-of-function variants are known to be pathogenic. Please note: this variant was assessed in the context of healthy population screening.